The following is an entry in ClinVar:

ClinVar aggregate classification (germline): Uncertain significance. Review status: criteria provided, multiple submitters, no conflicts (2 of 4 stars). 2 submissions from 2 submitters: Uncertain significance (2). Last evaluated 2025-06-27.

Conditions:
Primary ciliary dyskinesia. Also called: Ciliary dyskinesia. Identifiers: Orphanet 244, MedGen C0008780, MONDO:0016575, HP:0012265.

Allele frequency attached by ClinVar (database versions not stated): gnomAD 0.00001; 1000 Genomes Project 30x 0.00016; 1000 Genomes Project 0.00020.
gnomAD v4.1: 1 of 1,613,890 alleles (0.000062%); highest among the groups gnomAD compares: East Asian, 0.0022%; no homozygotes.

Submissions (2):

Women's Health and Genetics/Laboratory Corporation of America, LabCorp
Classification: Uncertain significance. Last evaluated: 2025-06-27. Review status: criteria provided, single submitter. Criteria: LabCorp Variant Classification Summary - May 2015. Collection method: clinical testing. Allele origin: germline.
Comment: Variant summary: DNAH5 c.4193A>G (p.Gln1398Arg) results in a conservative amino acid change in the encoded protein sequence. Algorithms developed to predict the effect of missense changes on protein structure and function are either unavailable or do not agree on the potential impact of this missense change. The variant allele was found at a frequency of 4e-06 in 250394 control chromosomes. c.4193A>G has been observed in individual(s) affected with Primary ciliary dyskinesia (Guo_2020). These data indicate that the variant may be associated with disease. To our knowledge, no experimental evidence demonstrating an impact on protein function has been reported. The following publication has been ascertained in the context of this evaluation (PMID: 32502479). ClinVar contains an entry for this variant (Variation ID: 3221506). Based on the evidence outlined above, the variant was classified as VUS-possibly pathogenic.

Ambry Genetics
Classification: Uncertain significance for Primary ciliary dyskinesia. Last evaluated: 2023-11-21. Review status: criteria provided, single submitter. Criteria: Ambry Variant Classification Scheme 2023. Collection method: clinical testing. Allele origin: germline.
Comment: The p.Q1398R variant (also known as c.4193A>G), located in coding exon 27 of the DNAH5 gene, results from an A to G substitution at nucleotide position 4193. The glutamine at codon 1398 is replaced by arginine, an amino acid with highly similar properties. This variant was identified in the homozygous state in an individual with chronic cough, nasosinusitis, situs inversus totalis, and outer dynein arm defects on electron microscopy (Guo Z et al. J Pediatr, 2020 Oct;225:157-165.e5). This amino acid position is not well conserved in available vertebrate species. In addition, this alteration is predicted to be tolerated by in silico analysis. Since supporting evidence is limited at this time, the clinical significance of this alteration remains unclear.

Literature cited by the submitters: PubMed 32502479 (cited by Women's Health and Genetics/Laboratory Corporation of America, LabCorp and Ambry Genetics).

NM_001369.3(DNAH5):c.4193A>G (p.Gln1398Arg)

Genes: DNAH5 (dynein axonemal heavy chain 5; minus strand), DNAH5-AS1 (DNAH5 antisense RNA 1; plus strand). Cytogenetic location: 5p15.2.
Variant type: single nucleotide variant.
Coding change: c.4193A>G on transcript NM_001369.3 (MANE Select); coding-DNA position 4193, A replaced by G.
Protein change: p.Gln1398Arg; replaces glutamine 1398 with arginine.
Molecular consequence: missense variant.
Genome position (GRCh38, 1-based): chr5:13,865,830, T>C on the plus strand (A>G on the coding strand, the complement: DNAH5 is on the minus strand). VCF-style: chr5-13865830-T-C. GRCh37 (hg19) VCF-style: chr5-13865939-T-C.
Other names: short protein forms Q1398R.
Identifiers: ClinVar variation 3221506 (VCV003221506.2), dbSNP rs200963174, ClinGen allele CA113976737.
Genomic context (GRCh38, chr5:13,865,830, plus strand): 5'-AGAGTATATATTTTCTGTAGAAGATTTAGTTGCTTCTTTATTTCAAGAAGCTGAGGATAC[T>C]GTGTAGCTGGCAGGCCAAAAAGCTCCTCTCCTCCAGTATATGTGATGTATTTCCGATAGA-3'
Protein context (NP_001360.1, residues 1388-1408): GEELFGLPAT[Gln1398Arg]YPQLLEIKKQ